The following is an entry in ClinVar:

NM_133259.4(LRPPRC):c.2965C>T (p.Arg989Cys)

Gene: LRPPRC (leucine rich pentatricopeptide repeat containing; minus strand). Cytogenetic location: 2p21.
Variant type: single nucleotide variant.
Coding change: c.2965C>T on transcript NM_133259.4 (MANE Select); coding-DNA position 2965, C replaced by T.
Protein change: p.Arg989Cys; replaces arginine 989 with cysteine.
Molecular consequence: missense variant.
Genome position (GRCh38, 1-based): chr2:43,918,330, G>A on the plus strand (C>T on the coding strand, the complement: LRPPRC is on the minus strand). VCF-style: chr2-43918330-G-A. GRCh37 (hg19) VCF-style: chr2-44145469-G-A.
Other names: p.R989C:CGT>TGT; short protein forms R989C.
Identifiers: ClinVar variation 214615 (VCV000214615.19), dbSNP rs199706677, ClinGen allele CA320765.

ClinVar aggregate classification (germline): Conflicting classifications of pathogenicity. Review status: criteria provided, conflicting classifications (1 of 4 stars). 4 submissions from 4 submitters: Uncertain significance (3); Likely benign (1). Last evaluated 2026-01-30.

Conditions:
Congenital lactic acidosis, Saguenay-Lac-Saint-Jean type (MC4DN5). Also called: CYTOCHROME c OXIDASE DEFICIENCY, FRENCH CANADIAN TYPE; COX DEFICIENCY, FRENCH CANADIAN TYPE; MITOCHONDRIAL COMPLEX IV DEFICIENCY, NUCLEAR TYPE 5. Identifiers: Orphanet 70472, MedGen C1857355, MONDO:0009069, OMIM 220111.

Allele frequency attached by ClinVar (database versions not stated): gnomAD 0.00013 and 0.00017; gnomAD exomes 0.00014 and 0.00047; TOPMed 0.00026; ExAC 0.00043; 1000 Genomes Project 0.00060; 1000 Genomes Project 30x 0.00078.
gnomAD v4.1: 239 of 1,608,972 alleles (0.015%); highest among the groups gnomAD compares: East Asian, 0.37%; no homozygotes.

Submissions (4):

Labcorp Genetics (formerly Invitae), Labcorp
Classification: Likely benign. Last evaluated: 2026-01-30. Review status: criteria provided, single submitter. Criteria: Invitae Variant Classification Sherloc (09022015). Collection method: clinical testing. Allele origin: germline.

GeneDx
Classification: Uncertain significance. Last evaluated: 2021-04-29. Review status: criteria provided, single submitter. Criteria: GeneDx Variant Classification Process June 2021. Collection method: clinical testing. Allele origin: germline. Affected: yes.
Comment: In silico analysis supports that this missense variant has a deleterious effect on protein structure/function; This variant is associated with the following publications: (PMID: 31130284, 30271085, 32962729)

Fulgent Genetics
Classification: Uncertain significance for Congenital lactic acidosis, Saguenay-Lac-Saint-Jean type. Last evaluated: 2018-10-31. Review status: criteria provided, single submitter. Criteria: ACMG Guidelines, 2015. Collection method: clinical testing. Allele origin: unknown.

Illumina Laboratory Services, Illumina
Classification: Uncertain significance for Congenital lactic acidosis, Saguenay-Lac-Saint-Jean type. Last evaluated: 2018-01-13. Review status: criteria provided, single submitter. Criteria: ICSL Variant Classification Criteria 13 December 2019. Collection method: clinical testing. Allele origin: germline.